The following is an entry in ClinVar:

ClinVar aggregate classification (germline): Uncertain significance (1 of 4 stars; one submission).

Submission:

Ambry Genetics
Classification: Uncertain significance. Last evaluated: 2026-04-13. Review status: criteria provided, single submitter. Criteria: Ambry Variant Classification Scheme 2023. Collection method: clinical testing. Allele origin: germline.
Comment: The p.E1162D variant (also known as c.3486A>C), located in coding exon 2 of the TET2 gene, results from an A to C substitution at nucleotide position 3486. The glutamic acid at codon 1162 is replaced by aspartic acid, an amino acid with highly similar properties. This amino acid position is conserved. In addition, this alteration is predicted to be tolerated by in silico analysis. Based on the available evidence, the clinical significance of this variant remains unclear.

NM_001127208.3(TET2):c.3486A>C (p.Glu1162Asp)

Genes: TET2 (tet methylcytosine dioxygenase 2; plus strand), TET2-AS1 (TET2 antisense RNA 1; minus strand). Cytogenetic location: 4q24.
Variant type: single nucleotide variant.
Coding change: c.3486A>C on transcript NM_001127208.3 (MANE Select); coding-DNA position 3486, A replaced by C.
Protein change: p.Glu1162Asp; replaces glutamic acid 1162 with aspartic acid.
Molecular consequence: missense variant. On other transcripts: 3 prime UTR variant (1).
Genome position (GRCh38, 1-based): chr4:105,241,415, A>C. VCF-style: chr4-105241415-A-C. GRCh37 (hg19) VCF-style: chr4-106162572-A-C.
Other names: c.*3975A>C (NM_017628.4); short protein forms E1162D.
Identifiers: ClinVar variation 4865537 (VCV004865537.1).